The following is an entry in ClinVar:

ClinVar aggregate classification (germline): Uncertain significance. Review status: criteria provided, multiple submitters, no conflicts (2 of 4 stars). 4 submissions from 4 submitters: Uncertain significance (4). Last evaluated 2024-08-22.

Allele frequency attached by ClinVar (database versions not stated): gnomAD 0.00001; gnomAD exomes 0.00001; ExAC 0.00002; 1000 Genomes Project 30x 0.00016; 1000 Genomes Project 0.00020.
gnomAD v4.1: 2 of 1,614,052 alleles (0.00012%); highest among the groups gnomAD compares: East Asian, 0.0045%; no homozygotes.

Submissions (4):

Women's Health and Genetics/Laboratory Corporation of America, LabCorp
Classification: Uncertain significance. Last evaluated: 2024-08-22. Review status: criteria provided, single submitter. Criteria: LabCorp Variant Classification Summary - May 2015. Collection method: clinical testing. Allele origin: germline.
Comment: Variant summary: TMC1 c.1189G>A (p.Asp397Asn) results in a conservative amino acid change in the encoded protein sequence. Four of five in-silico tools predict a benign effect of the variant on protein function. The variant allele was found at a frequency of 1.2e-05 in 251422 control chromosomes. c.1189G>A has been reported in the literature in at least two individuals affected with Nonsyndromic Hearing Loss And Deafness, Type 7 (e.g., Yuan_2020, Xiang_2022). These data indicate that the variant may be associated with disease. To our knowledge, no experimental evidence demonstrating an impact on protein function has been reported. The following publications have been ascertained in the context of this evaluation (PMID: 35761346, 31541171). ClinVar contains an entry for this variant (Variation ID: 229315). Based on the evidence outlined above, the variant was classified as VUS-possibly pathogenic.

GeneDx
Classification: Uncertain significance. Last evaluated: 2023-02-14. Review status: criteria provided, single submitter. Criteria: GeneDx Variant Classification Process June 2021. Collection method: clinical testing. Allele origin: germline. Affected: yes.
Comment: In silico analysis supports that this missense variant does not alter protein structure/function; This variant is associated with the following publications: (PMID: 35761346)

Blueprint Genetics
Classification: Uncertain significance. Last evaluated: 2020-12-18. Review status: criteria provided, single submitter. Criteria: ACMG Guidelines, 2015. Collection method: clinical testing. Allele origin: germline.

Laboratory for Molecular Medicine, Mass General Brigham Personalized Medicine
Classification: Uncertain significance. Last evaluated: 2015-11-12. Review status: criteria provided, single submitter. Criteria: LMM Criteria. Collection method: clinical testing. Allele origin: germline. Observed: 1 variant allele.
Comment: Variant classified as Uncertain Significance - Favor Pathogenic. The p.Asp397Asn variant in TMC1 has not been previously reported in individuals with hearing lo ss. This variant has been identified in 2/8654 East Asian chromosomes by the Exo me Aggregation Consortium (ExAC; dbSNP rs1857021 48); however, its frequency is not high enough to rule out a pathogenic role. Co mputational prediction tools and conservation analyses of the amino acid change do not provide strong support for or against an impact to the protein. In summar y, the clinical significance of the p.Asp397Asn variant is uncertain.

Literature cited by the submitters: PubMed 31541171 (cited by Women's Health and Genetics/Laboratory Corporation of America, LabCorp); PubMed 35761346 (cited by Women's Health and Genetics/Laboratory Corporation of America, LabCorp).

NM_138691.3(TMC1):c.1189G>A (p.Asp397Asn)

Gene: TMC1 (transmembrane channel like 1; plus strand). Cytogenetic location: 9q21.13.
Variant type: single nucleotide variant.
Coding change: c.1189G>A on transcript NM_138691.3 (MANE Select); coding-DNA position 1189, G replaced by A.
Protein change: p.Asp397Asn; replaces aspartic acid 397 with asparagine.
Molecular consequence: missense variant.
Genome position (GRCh38, 1-based): chr9:72,789,282, G>A. VCF-style: chr9-72789282-G-A. GRCh37 (hg19) VCF-style: chr9-75404198-G-A.
Other names: short protein forms D397N.
Identifiers: ClinVar variation 229315 (VCV000229315.8), dbSNP rs185702148, ClinGen allele CA5081890.
Genomic context (GRCh38, chr9:72,789,282, plus strand): 5'-GGAGGGAGTGGATACCTCATCTTTTGGGCTGTGAAGCGATCCCAGGAATTTGCACAGCAA[G>A]ATCCTGACACCCTTGGGTGGTGGGAAAAAAATGAAGTTCGTCTCTGCATGCTTTTTATGT-3'
Protein context (NP_619636.2, residues 387-407): VKRSQEFAQQ[Asp397Asn]PDTLGWWEKN